The following is an entry in ClinVar:

NM_002890.3(RASA1):c.2993T>G (p.Leu998Trp)

Genes: CCNH (cyclin H; minus strand), RASA1 (RAS p21 protein activator 1; plus strand). Cytogenetic location: 5q14.3.
Variant type: single nucleotide variant.
Coding change: c.2993T>G on transcript NM_002890.3 (MANE Select); coding-DNA position 2993, T replaced by G.
Protein change: p.Leu998Trp; replaces leucine 998 with tryptophan.
Molecular consequence: missense variant. On other transcripts: intron variant (1).
Genome position (GRCh38, 1-based): chr5:87,389,460, T>G. VCF-style: chr5-87389460-T-G. GRCh37 (hg19) VCF-style: chr5-86685277-T-G.
Other names: c.2462T>G, p.Leu821Trp (NM_022650.3); c.933+5584A>C (NM_001364075.2); short protein forms L821W, L998W.
Identifiers: ClinVar variation 2747692 (VCV002747692.3), dbSNP rs2531396191, ClinGen allele CA360388262.

ClinVar aggregate classification (germline): Uncertain significance (1 of 4 stars; one submission).

Conditions:
Capillary malformation-arteriovenous malformation syndrome. Also called: Capillary malformation-arteriovenous malformation. Identifiers: Orphanet 137667, MedGen C1842180, MONDO:0012016.

Submission:

Labcorp Genetics (formerly Invitae), Labcorp
Classification: Uncertain significance for Capillary malformation-arteriovenous malformation syndrome. Last evaluated: 2023-07-28. Review status: criteria provided, single submitter. Criteria: Invitae Variant Classification Sherloc (09022015). Collection method: clinical testing. Allele origin: germline.
Comment: This sequence change replaces leucine, which is neutral and non-polar, with tryptophan, which is neutral and slightly polar, at codon 998 of the RASA1 protein (p.Leu998Trp). This variant is not present in population databases (gnomAD no frequency). This variant has not been reported in the literature in individuals affected with RASA1-related conditions. An algorithm developed to predict the effect of missense changes on protein structure and function (PolyPhen-2) suggests that this variant is likely to be disruptive. In summary, the available evidence is currently insufficient to determine the role of this variant in disease. Therefore, it has been classified as a Variant of Uncertain Significance.